The following is an entry in ClinVar:

ClinVar aggregate classification (germline): Uncertain significance (1 of 4 stars; one submission).

Allele frequency attached by ClinVar (database versions not stated): gnomAD exomes below 0.00001; TOPMed 0.00001.
gnomAD v4.1: 2 of 1,614,020 alleles (0.00012%); highest among the groups gnomAD compares: Non-Finnish European, 0.00017%; no homozygotes.

Submission:

Labcorp Genetics (formerly Invitae), Labcorp
Classification: Uncertain significance. Last evaluated: 2022-05-06. Review status: criteria provided, single submitter. Criteria: Invitae Variant Classification Sherloc (09022015). Collection method: clinical testing. Allele origin: germline.
Comment: In summary, the available evidence is currently insufficient to determine the role of this variant in disease. Therefore, it has been classified as a Variant of Uncertain Significance. Algorithms developed to predict the effect of missense changes on protein structure and function are either unavailable or do not agree on the potential impact of this missense change (SIFT: "Tolerated"; PolyPhen-2: "Probably Damaging"; Align-GVGD: "Class C0"). This variant has not been reported in the literature in individuals affected with SCN3A-related conditions. This variant is not present in population databases (gnomAD no frequency). This sequence change replaces tyrosine, which is neutral and polar, with histidine, which is basic and polar, at codon 1613 of the SCN3A protein (p.Tyr1613His).

NM_006922.4(SCN3A):c.4837T>C (p.Tyr1613His)

Gene: SCN3A (sodium voltage-gated channel alpha subunit 3; minus strand). Cytogenetic location: 2q24.3.
Variant type: single nucleotide variant.
Coding change: c.4837T>C on transcript NM_006922.4 (MANE Select); coding-DNA position 4837, T replaced by C.
Protein change: p.Tyr1613His; replaces tyrosine 1613 with histidine.
Molecular consequence: missense variant.
Genome position (GRCh38, 1-based): chr2:165,091,316, A>G on the plus strand (T>C on the coding strand, the complement: SCN3A is on the minus strand). VCF-style: chr2-165091316-A-G. GRCh37 (hg19) VCF-style: chr2-165947826-A-G.
Other names: c.4690T>C, p.Tyr1564His (NM_001081676.2, NM_001081677.2); short protein forms Y1613H, Y1564H.
Identifiers: ClinVar variation 2189442 (VCV002189442.4), dbSNP rs1685093942, ClinGen allele CA349018424.